The following is an entry in ClinVar:

ClinVar aggregate classification (germline): Uncertain significance. Review status: criteria provided, multiple submitters, no conflicts (2 of 4 stars). 2 submissions from 2 submitters: Uncertain significance (2). Last evaluated 2022-02-23.

Conditions:
Xanthinuria type II. Also called: Xanthine dehydrogenase and aldehyde oxidase combined deficiency of; XDH and AOX dual deficiency. Identifiers: Orphanet 3467, Orphanet 93602, MedGen C1863688, MONDO:0011346, OMIM 603592.

Allele frequency attached by ClinVar (database versions not stated): gnomAD below 0.00001 and 0.00001; TOPMed below 0.00001; gnomAD exomes 0.00001.
gnomAD v4.1: 9 of 1,614,080 alleles (0.00056%); highest among the groups gnomAD compares: South Asian, 0.0088%; no homozygotes.

Submissions (2):

Fulgent Genetics
Classification: Uncertain significance for Xanthinuria type II. Last evaluated: 2022-02-23. Review status: criteria provided, single submitter. Criteria: ACMG Guidelines, 2015. Collection method: clinical testing. Allele origin: unknown.

Labcorp Genetics (formerly Invitae), Labcorp
Classification: Uncertain significance for Xanthinuria type II. Last evaluated: 2020-02-15. Review status: criteria provided, single submitter. Criteria: Invitae Variant Classification Sherloc (09022015). Collection method: clinical testing. Allele origin: germline.
Comment: Algorithms developed to predict the effect of missense changes on protein structure and function output the following: SIFT: "Tolerated"; PolyPhen-2: "Benign"; Align-GVGD: "Class C0". The lysine amino acid residue is found in multiple mammalian species, suggesting that this missense change does not adversely affect protein function. These predictions have not been confirmed by published functional studies and their clinical significance is uncertain. In summary, the available evidence is currently insufficient to determine the role of this variant in disease. Therefore, it has been classified as a Variant of Uncertain Significance. This variant has not been reported in the literature in individuals with MOCOS-related conditions. This variant is not present in population databases (ExAC no frequency). This sequence change replaces glutamic acid with lysine at codon 181 of the MOCOS protein (p.Glu181Lys). The glutamic acid residue is highly conserved and there is a small physicochemical difference between glutamic acid and lysine.

NM_017947.4(MOCOS):c.541G>A (p.Glu181Lys)

Gene: MOCOS (molybdenum cofactor sulfurase; plus strand). Cytogenetic location: 18q12.2.
Variant type: single nucleotide variant.
Coding change: c.541G>A on transcript NM_017947.4 (MANE Select); coding-DNA position 541, G replaced by A.
Protein change: p.Glu181Lys; replaces glutamic acid 181 with lysine.
Molecular consequence: missense variant.
Genome position (GRCh38, 1-based): chr18:36,199,924, G>A. VCF-style: chr18-36199924-G-A. GRCh37 (hg19) VCF-style: chr18-33779887-G-A.
Other names: short protein forms E181K.
Identifiers: ClinVar variation 654879 (VCV000654879.9), dbSNP rs1598871599, ClinGen allele CA402213761.